The following is an entry in ClinVar:

ClinVar aggregate classification (germline): Uncertain significance (1 of 4 stars; one submission).

gnomAD v4.1: 3 of 1,614,048 alleles (0.00019%); highest among the groups gnomAD compares: Admixed American, 0.0017%; no homozygotes.

Submission:

Labcorp Genetics (formerly Invitae), Labcorp
Classification: Uncertain significance. Last evaluated: 2024-12-05. Review status: criteria provided, single submitter. Criteria: Invitae Variant Classification Sherloc (09022015). Collection method: clinical testing. Allele origin: germline.
Comment: This sequence change replaces arginine, which is basic and polar, with glutamine, which is neutral and polar, at codon 47 of the FBLN5 protein (p.Arg47Gln). This variant is present in population databases (no rsID available, gnomAD 0.003%). This variant has not been reported in the literature in individuals affected with FBLN5-related conditions. An algorithm developed to predict the effect of missense changes on protein structure and function (PolyPhen-2) suggests that this variant is likely to be disruptive. In summary, the available evidence is currently insufficient to determine the role of this variant in disease. Therefore, it has been classified as a Variant of Uncertain Significance.

NM_006329.4(FBLN5):c.140G>A (p.Arg47Gln)

Gene: FBLN5 (fibulin 5; minus strand). Cytogenetic location: 14q32.12.
Variant type: single nucleotide variant.
Coding change: c.140G>A on transcript NM_006329.4 (MANE Select); coding-DNA position 140, G replaced by A.
Protein change: p.Arg47Gln; replaces arginine 47 with glutamine.
Molecular consequence: missense variant. On other transcripts: 5 prime UTR variant (2).
Genome position (GRCh38, 1-based): chr14:91,937,186, C>T on the plus strand (G>A on the coding strand, the complement: FBLN5 is on the minus strand). VCF-style: chr14-91937186-C-T. GRCh37 (hg19) VCF-style: chr14-92403530-C-T.
Other names: c.263G>A, p.Arg88Gln (NM_001384158.1); c.191G>A, p.Arg64Gln (NM_001384159.1); c.140G>A, p.Arg47Gln (NM_001384160.1); c.-29G>A (NM_001384161.1, NM_001384162.1); short protein forms R64Q, R47Q, R88Q.
Identifiers: ClinVar variation 3665346 (VCV003665346.1).